The following is an entry in ClinVar:

NM_001291303.3(FAT4):c.1739C>T (p.Pro580Leu)

Gene: FAT4 (FAT atypical cadherin 4; plus strand). Cytogenetic location: 4q28.1.
Variant type: single nucleotide variant.
Coding change: c.1739C>T on transcript NM_001291303.3 (MANE Select); coding-DNA position 1739, C replaced by T.
Protein change: p.Pro580Leu; replaces proline 580 with leucine.
Molecular consequence: missense variant.
Genome position (GRCh38, 1-based): chr4:125,318,150, C>T. VCF-style: chr4-125318150-C-T. GRCh37 (hg19) VCF-style: chr4-126239305-C-T.
Other names: c.1739C>T (NM_024582.4); c.1739C>T, p.Pro580Leu (NM_001291285.3, NM_024582.6); short protein forms P580L.
Identifiers: ClinVar variation 1906320 (VCV001906320.6), dbSNP rs1364918822, ClinGen allele CA358118536.

ClinVar aggregate classification (germline): Uncertain significance. Review status: criteria provided, multiple submitters, no conflicts (2 of 4 stars). 2 submissions from 2 submitters: Uncertain significance (2). Last evaluated 2025-09-01.

Conditions:
Inborn genetic diseases. Identifiers: MedGen C0950123, MeSH D030342.

Allele frequency attached by ClinVar (database versions not stated): gnomAD 0.00001; gnomAD exomes 0.00001; TOPMed 0.00001.
gnomAD v4.1: 6 of 1,614,018 alleles (0.00037%); highest among the groups gnomAD compares: Non-Finnish European, 0.00051%; no homozygotes.

Submissions (2):

Ambry Genetics
Classification: Uncertain significance for Inborn genetic diseases. Last evaluated: 2025-09-01. Review status: criteria provided, single submitter. Criteria: Ambry Variant Classification Scheme 2023. Collection method: clinical testing. Allele origin: germline.

Labcorp Genetics (formerly Invitae), Labcorp
Classification: Uncertain significance. Last evaluated: 2022-07-21. Review status: criteria provided, single submitter. Criteria: Invitae Variant Classification Sherloc (09022015). Collection method: clinical testing. Allele origin: germline.
Comment: In summary, the available evidence is currently insufficient to determine the role of this variant in disease. Therefore, it has been classified as a Variant of Uncertain Significance. Advanced modeling of protein sequence and biophysical properties (such as structural, functional, and spatial information, amino acid conservation, physicochemical variation, residue mobility, and thermodynamic stability) performed at Invitae indicates that this missense variant is expected to disrupt FAT4 protein function. This variant has not been reported in the literature in individuals affected with FAT4-related conditions. This variant is not present in population databases (gnomAD no frequency). This sequence change replaces proline, which is neutral and non-polar, with leucine, which is neutral and non-polar, at codon 580 of the FAT4 protein (p.Pro580Leu).